The following is an entry in ClinVar:

NM_001197104.2(KMT2A):c.2717_2723del (p.Tyr906fs)

Gene: KMT2A (lysine methyltransferase 2A; plus strand). Cytogenetic location: 11q23.3.
Variant type: Deletion.
Coding change: c.2717_2723del on transcript NM_001197104.2 (MANE Select); coding-DNA positions 2717 to 2723, 7 bases deleted (ATCCTGT; older notation c.2717_2723delATCCTGT).
Protein change: p.Tyr906fs; shifts the reading frame from tyrosine 906.
Molecular consequence: frameshift variant.
Genome position (GRCh38, 1-based): chr11:118,473,876-118,473,882, ATCCTGT deleted; deleting any 7 consecutive bases within chr11:118,473,873-118,473,882 gives the same sequence; the c. name uses the placement nearest the transcript's 3' end. VCF-style (leftmost placement, unchanged base first): chr11-118473872-TTGTATCC-T. GRCh37 (hg19) VCF-style: chr11-118344587-TTGTATCC-T.
Other names: c.2816_2822del, p.Tyr939fs (NM_001412597.1); c.2717_2723del, p.Tyr906fs (NM_005933.4); short protein forms Y906fs, Y939fs.
Identifiers: ClinVar variation 3865064 (VCV003865064.1).

ClinVar aggregate classification (germline): Pathogenic (1 of 4 stars; one submission).

Conditions:
Inborn genetic diseases. Identifiers: MedGen C0950123, MeSH D030342.

Submission:

Ambry Genetics
Classification: Pathogenic for Inborn genetic diseases. Last evaluated: 2025-01-24. Review status: criteria provided, single submitter. Criteria: Ambry Variant Classification Scheme 2023. Collection method: clinical testing. Allele origin: germline.
Comment: The c.2717_2723delATCCTGT (p.Y906Wfs*41) alteration, located in exon 3 (coding exon 3) of the KMT2A gene, consists of a deletion of 7 nucleotides from position 2717 to 2723, causing a translational frameshift with a predicted alternate stop codon after 41 amino acids. This alteration is expected to result in loss of function by premature protein truncation or nonsense-mediated mRNA decay. This variant was not reported in population-based cohorts in the Genome Aggregation Database (gnomAD). Based on the available evidence, this alteration is classified as pathogenic.